The following is an entry in ClinVar:

NM_002227.4(JAK1):c.1606A>G (p.Ile536Val)

Gene: JAK1 (Janus kinase 1; minus strand). Cytogenetic location: 1p31.3.
Variant type: single nucleotide variant.
Coding change: c.1606A>G on transcript NM_002227.4 (MANE Select); coding-DNA position 1606, A replaced by G.
Protein change: p.Ile536Val; replaces isoleucine 536 with valine.
Molecular consequence: missense variant.
Genome position (GRCh38, 1-based): chr1:64,855,551, T>C on the plus strand (A>G on the coding strand, the complement: JAK1 is on the minus strand). VCF-style: chr1-64855551-T-C. GRCh37 (hg19) VCF-style: chr1-65321234-T-C.
Other names: c.1606A>G, p.Ile536Val (NM_001320923.2, NM_001321852.2, NM_001321853.2 and 3 more transcripts); c.1603A>G, p.Ile535Val (NM_001321857.2); short protein forms I535V, I536V.
Identifiers: ClinVar variation 2893737 (VCV002893737.3), dbSNP rs554046469, ClinGen allele CA892887.

ClinVar aggregate classification (germline): Uncertain significance (1 of 4 stars; one submission).

Allele frequency attached by ClinVar (database versions not stated): gnomAD exomes below 0.00001; ExAC 0.00001; gnomAD 0.00001; 1000 Genomes Project 30x 0.00016; 1000 Genomes Project 0.00020.
gnomAD v4.1: 8 of 1,614,142 alleles (0.0005%); highest among the groups gnomAD compares: South Asian, 0.0088%; no homozygotes.

Submission:

Labcorp Genetics (formerly Invitae), Labcorp
Classification: Uncertain significance. Last evaluated: 2023-09-29. Review status: criteria provided, single submitter. Criteria: Invitae Variant Classification Sherloc (09022015). Collection method: clinical testing. Allele origin: germline.
Comment: This sequence change replaces isoleucine, which is neutral and non-polar, with valine, which is neutral and non-polar, at codon 536 of the JAK1 protein (p.Ile536Val). This variant is present in population databases (rs554046469, gnomAD 0.006%). In summary, the available evidence is currently insufficient to determine the role of this variant in disease. Therefore, it has been classified as a Variant of Uncertain Significance. Advanced modeling of protein sequence and biophysical properties (such as structural, functional, and spatial information, amino acid conservation, physicochemical variation, residue mobility, and thermodynamic stability) performed at Invitae indicates that this missense variant is not expected to disrupt JAK1 protein function. This variant has not been reported in the literature in individuals affected with JAK1-related conditions.